The following is an entry in ClinVar:

ClinVar aggregate classification (germline): Pathogenic/Likely pathogenic. Review status: criteria provided, multiple submitters, no conflicts (2 of 4 stars). 3 submissions from 3 submitters: Pathogenic (1); Likely pathogenic (1). 1 of the submissions does not count toward it. Last evaluated 2025-07-11.

Conditions:
Niemann-Pick disease, type C (NPC). Identifiers: Orphanet 646, MedGen C0220756, MONDO:0018982.
Niemann-Pick disease, type C1. Also called: NEUROVISCERAL STORAGE DISEASE WITH VERTICAL SUPRANUCLEAR OPHTHALMOPLEGIA; NIEMANN-PICK DISEASE WITH CHOLESTEROL ESTERIFICATION BLOCK; NIEMANN-PICK DISEASE WITHOUT SPHINGOMYELINASE DEFICIENCY; NIEMANN-PICK DISEASE, CHRONIC NEURONOPATHIC FORM; NIEMANN-PICK DISEASE, VARIANT TYPE C1. Identifiers: Orphanet 646, MedGen C3179455, MONDO:0009757, OMIM 257220.

Allele frequency attached by ClinVar (database versions not stated): TOPMed below 0.00001; gnomAD exomes 0.00001.
gnomAD v4.1: 12 of 1,614,072 alleles (0.00074%); highest among the groups gnomAD compares: Non-Finnish European, 0.001%; no homozygotes.

Submissions (3):

Women's Health and Genetics/Laboratory Corporation of America, LabCorp
Classification: Likely pathogenic for Niemann-Pick disease, type C. Last evaluated: 2025-07-11. Review status: criteria provided, single submitter. Criteria: LabCorp Variant Classification Summary - May 2015. Collection method: clinical testing. Allele origin: germline.
Comment: Variant summary: NPC1 c.1526A>C (p.Tyr509Ser) results in a non-conservative amino acid change located in the NPC1, middle luminal domain (IPR053956) of the encoded protein sequence. Algorithms developed to predict the effect of missense changes on protein structure and function all suggest that this variant is likely to be disruptive. The variant was absent in 251406 control chromosomes. c.1526A>C has been observed in individual(s) affected with Niemann-Pick Disease Type C (Imrie_2015, Park_2003, LCG internal data). These data indicate that the variant is likely to be associated with disease. Three publications report experimental evidence evaluating an impact on protein function, however, none of these studies allows convincing conclusions about the variant effect. The following publications have been ascertained in the context of this evaluation (PMID: 19744920, 26666848, 12955717, 35408815, 30202070, 22505584). ClinVar contains an entry for this variant (Variation ID: 554002). Based on the evidence outlined above, the variant was classified as likely pathogenic.

Labcorp Genetics (formerly Invitae), Labcorp
Classification: Pathogenic for Niemann-Pick disease, type C1. Last evaluated: 2024-02-22. Review status: criteria provided, single submitter. Criteria: Invitae Variant Classification Sherloc (09022015). Collection method: clinical testing. Allele origin: germline.
Comment: This sequence change replaces tyrosine, which is neutral and polar, with serine, which is neutral and polar, at codon 509 of the NPC1 protein (p.Tyr509Ser). This variant is not present in population databases (gnomAD no frequency). This missense change has been observed in individuals with Niemann-Pick disease type C (PMID: 26666848, 30202070; Invitae). It has also been observed to segregate with disease in related individuals. ClinVar contains an entry for this variant (Variation ID: 554002). Advanced modeling of protein sequence and biophysical properties (such as structural, functional, and spatial information, amino acid conservation, physicochemical variation, residue mobility, and thermodynamic stability) performed at Invitae indicates that this missense variant is expected to disrupt NPC1 protein function with a positive predictive value of 95%. This variant disrupts the p.Tyr509 amino acid residue in NPC1. Other variant(s) that disrupt this residue have been observed in individuals with NPC1-related conditions (PMID: 22676771), which suggests that this may be a clinically significant amino acid residue. For these reasons, this variant has been classified as Pathogenic.

Counsyl
Classification: Uncertain significance for Niemann-Pick disease, type C1. Last evaluated: 2017-09-22. Review status: no assertion criteria provided. Collection method: clinical testing. Allele origin: unknown. Not counted in ClinVar's aggregate classification.

Literature cited by the submitters: PubMed 19744920 (cited by Women's Health and Genetics/Laboratory Corporation of America, LabCorp); PubMed 12955717 (cited by Women's Health and Genetics/Laboratory Corporation of America, LabCorp and Counsyl); PubMed 26666848 (cited by 3 submitters); PubMed 30202070 (cited by Women's Health and Genetics/Laboratory Corporation of America, LabCorp and Labcorp Genetics (formerly Invitae), Labcorp); PubMed 35408815 (cited by Women's Health and Genetics/Laboratory Corporation of America, LabCorp); PubMed 22505584 (cited by Women's Health and Genetics/Laboratory Corporation of America, LabCorp and Counsyl); PubMed 22676771 (cited by Labcorp Genetics (formerly Invitae), Labcorp).

NM_000271.5(NPC1):c.1526A>C (p.Tyr509Ser)

Gene: NPC1 (NPC intracellular cholesterol transporter 1; minus strand). Cytogenetic location: 18q11.2.
Variant type: single nucleotide variant.
Coding change: c.1526A>C on transcript NM_000271.5 (MANE Select); coding-DNA position 1526, A replaced by C.
Protein change: p.Tyr509Ser; replaces tyrosine 509 with serine.
Molecular consequence: missense variant.
Genome position (GRCh38, 1-based): chr18:23,554,785, T>G on the plus strand (A>C on the coding strand, the complement: NPC1 is on the minus strand). VCF-style: chr18-23554785-T-G. GRCh37 (hg19) VCF-style: chr18-21134749-T-G.
Other names: short protein forms Y509S.
Identifiers: ClinVar variation 554002 (VCV000554002.14), dbSNP rs1190383931, ClinGen allele CA401775364.